The following is an entry in ClinVar:

ClinVar aggregate classification (germline): Conflicting classifications of pathogenicity. Review status: criteria provided, conflicting classifications (1 of 4 stars). 7 submissions from 7 submitters: Uncertain significance (4); Likely benign (3). Last evaluated 2026-06-10.

Conditions:
ATP1A2-related disorder. Also called: ATP1A2-related condition; ATP1A2-RELATED DISORDERS.
Familial hemiplegic migraine. Identifiers: MedGen C0338484, MONDO:0000700.
Migraine, familial hemiplegic, 2. Identifiers: Orphanet 569, MedGen C1865322, MONDO:0011232, OMIM 602481.

Allele frequency attached by ClinVar (database versions not stated): gnomAD exomes 0.00005; ExAC 0.00008; gnomAD 0.00011; TOPMed 0.00015.
gnomAD v4.1: 173 of 1,601,230 alleles (0.011%); highest among the groups gnomAD compares: Non-Finnish European, 0.014%; no homozygotes.

Submissions (7):

PreventionGenetics, part of Exact Sciences
Classification: Uncertain significance for ATP1A2-related condition. Last evaluated: 2026-06-10. Review status: criteria provided, single submitter. Criteria: ACMG Guidelines, 2015. Collection method: clinical testing. Allele origin: germline.
Comment: The ATP1A2 c.8G>A variant is predicted to result in the amino acid substitution p.Arg3His. To our knowledge, this variant has not been reported in the literature. This variant is reported in 0.0094% of alleles in individuals of Latino descent in gnomAD. At this time, the clinical significance of this variant is uncertain due to the absence of conclusive functional and genetic evidence.

Labcorp Genetics (formerly Invitae), Labcorp
Classification: Uncertain significance for Familial hemiplegic migraine. Last evaluated: 2026-01-28. Review status: criteria provided, single submitter. Criteria: Invitae Variant Classification Sherloc (09022015). Collection method: clinical testing. Allele origin: germline.
Comment: This sequence change replaces arginine, which is basic and polar, with histidine, which is basic and polar, at codon 3 of the ATP1A2 protein (p.Arg3His). The frequency data for this variant in the population databases is considered unreliable, as metrics indicate poor data quality at this position in the gnomAD database. This missense change has been observed in individual(s) with epilepsy (PMID: 29261713). ClinVar contains an entry for this variant (Variation ID: 204902). Invitae Evidence Modeling of protein sequence and biophysical properties (such as structural, functional, and spatial information, amino acid conservation, physicochemical variation, residue mobility, and thermodynamic stability) indicates that this missense variant is not expected to disrupt ATP1A2 protein function with a negative predictive value of 95%. In summary, the available evidence is currently insufficient to determine the role of this variant in disease. Therefore, it has been classified as a Variant of Uncertain Significance.

Women's Health and Genetics/Laboratory Corporation of America, LabCorp
Classification: Uncertain significance. Last evaluated: 2024-06-14. Review status: criteria provided, single submitter. Criteria: LabCorp Variant Classification Summary - May 2015. Collection method: clinical testing. Allele origin: germline.
Comment: Variant summary: ATP1A2 c.8G>A (p.Arg3His) results in a non-conservative amino acid change in the encoded protein sequence. Four of five in-silico tools predict a benign effect of the variant on protein function. The variant allele was found at a frequency of 4.8e-05 in 227940 control chromosomes. This frequency is not significantly higher than estimated for a pathogenic variant in ATP1A2 causing Alternating Hemiplegia Of Childhood 1, allowing no conclusion about variant significance. c.8G>A has been reported in the literature in at-least one individual affected with epilepsy (Coll_2017). These report(s) do not provide unequivocal conclusions about association of the variant with Alternating Hemiplegia Of Childhood 1. To our knowledge, no experimental evidence demonstrating an impact on protein function has been reported. The following publication has been ascertained in the context of this evaluation (PMID: 29261713). ClinVar contains an entry for this variant (Variation ID: 204902). Based on the evidence outlined above, the variant was classified as uncertain significance.

Blueprint Genetics
Classification: Likely benign. Last evaluated: 2021-04-06. Review status: criteria provided, single submitter. Criteria: ACMG Guidelines, 2015. Collection method: clinical testing. Allele origin: germline.

GeneDx
Classification: Likely benign. Last evaluated: 2021-02-08. Review status: criteria provided, single submitter. Criteria: GeneDx Variant Classification Process June 2021. Collection method: clinical testing. Allele origin: germline. Affected: yes.

New York Genome Center
Classification: Uncertain significance for Migraine, familial hemiplegic, 2. Last evaluated: 2020-07-06. Review status: criteria provided, single submitter. Criteria: NYGC Assertion Criteria 2020. Collection method: clinical testing. Allele origin: inherited. Observed: 1 heterozygote. Study: CSER-NYCKidSeq.

Genetic Services Laboratory, University of Chicago
Classification: Likely benign. Last evaluated: 2015-01-12. Review status: criteria provided, single submitter. Criteria: ACMG Guidelines, 2015. Collection method: clinical testing. Allele origin: germline.

Literature cited by the submitters: PubMed 29261713 (cited by Labcorp Genetics (formerly Invitae), Labcorp and Women's Health and Genetics/Laboratory Corporation of America, LabCorp).

NM_000702.4(ATP1A2):c.8G>A (p.Arg3His)

Gene: ATP1A2 (ATPase Na+/K+ transporting subunit alpha 2; plus strand). Cytogenetic location: 1q23.2.
Variant type: single nucleotide variant.
Coding change: c.8G>A on transcript NM_000702.4 (MANE Select); coding-DNA position 8, G replaced by A.
Protein change: p.Arg3His; replaces arginine 3 with histidine.
Molecular consequence: missense variant.
Genome position (GRCh38, 1-based): chr1:160,115,869, G>A. VCF-style: chr1-160115869-G-A. GRCh37 (hg19) VCF-style: chr1-160085659-G-A.
Other names: p.R3H:CGT>CAT; short protein forms R3H.
Identifiers: ClinVar variation 204902 (VCV000204902.19), dbSNP rs781687346, ClinGen allele CA313325.